The following is an entry in ClinVar:

ClinVar aggregate classification (germline): Uncertain significance (1 of 4 stars; one submission).

Submission:

GeneDx
Classification: Uncertain significance. Last evaluated: 2025-08-08. Review status: criteria provided, single submitter. Criteria: GeneDx Variant Classification Process June 2021. Collection method: clinical testing. Allele origin: germline. Affected: yes.
Comment: Not observed at significant frequency in large population cohorts (gnomAD); In silico analysis supports that this missense variant has a deleterious effect on protein structure/function; Has not been previously published as pathogenic or benign to our knowledge

NM_001349338.3(FOXP1):c.1364A>G (p.Asn455Ser)

Gene: FOXP1 (forkhead box P1; minus strand). Cytogenetic location: 3p13.
Variant type: single nucleotide variant.
Coding change: c.1364A>G on transcript NM_001349338.3 (MANE Select); coding-DNA position 1364, A replaced by G.
Protein change: p.Asn455Ser; replaces asparagine 455 with serine.
Molecular consequence: missense variant. On other transcripts: non-coding transcript variant (2).
Genome position (GRCh38, 1-based): chr3:70,977,707, T>C on the plus strand (A>G on the coding strand, the complement: FOXP1 is on the minus strand). VCF-style: chr3-70977707-T-C. GRCh37 (hg19) VCF-style: chr3-71026858-T-C.
Other names: c.1061A>G, p.Asn354Ser (NM_001370548.1, NM_001349337.2, NM_001349343.3 and 1 more transcripts); c.1364A>G, p.Asn455Ser (NM_032682.6, NM_001244810.2, NM_001244814.3 and 2 more transcripts); c.1361A>G, p.Asn454Ser (NM_001244808.3, NM_001349341.3); c.1136A>G, p.Asn379Ser (NM_001244812.3); c.1064A>G, p.Asn355Ser (NM_001244813.3, NM_001244815.2, NM_001349342.3); short protein forms N354S, N355S, N379S, N454S, N455S.
Identifiers: ClinVar variation 4755664 (VCV004755664.1).
Genomic context (GRCh38, chr3:70,977,707, plus strand): 5'-CTAATTAAAGATGCATATGTAAATGGTGGTCTAACTTCTGCGTTCTTATAAAATTCTTGG[T>C]TCTGCGCAATATCTGCTGAATAAGAATCATTGTCCTATTAATTATCACTTTTTCAAAAGG-3'
Protein context (NP_001336267.1, residues 445-465): VPISSADIAQ[Asn455Ser]QEFYKNAEVR